The following is an entry in ClinVar:

ClinVar aggregate classification (germline): Uncertain significance (1 of 4 stars; one submission).

Conditions:
Ataxia-telangiectasia syndrome (AT). Also called: Ataxia telangiectasia (A-T); ATAXIA-TELANGIECTASIA, COMPLEMENTATION GROUP A; ATAXIA-TELANGIECTASIA, FRESNO VARIANT; Ataxia-telangiectasia; Ataxia-telangiectasia, complementation group E; LOUIS-BAR SYNDROME. Identifiers: Orphanet 100, MedGen C0004135, MONDO:0008840, OMIM 208900.

Submission:

Labcorp Genetics (formerly Invitae), Labcorp
Classification: Uncertain significance for Ataxia-telangiectasia syndrome. Last evaluated: 2023-10-14. Review status: criteria provided, single submitter. Criteria: Invitae Variant Classification Sherloc (09022015). Collection method: clinical testing. Allele origin: germline.
Comment: This sequence change replaces asparagine, which is neutral and polar, with aspartic acid, which is acidic and polar, at codon 2327 of the ATM protein (p.Asn2327Asp). This variant is not present in population databases (gnomAD no frequency). This variant has not been reported in the literature in individuals affected with ATM-related conditions. ClinVar contains an entry for this variant (Variation ID: 1044373). Algorithms developed to predict the effect of missense changes on protein structure and function output the following: SIFT: "Not Available"; PolyPhen-2: "Benign"; Align-GVGD: "Not Available". The aspartic acid amino acid residue is found in multiple mammalian species, which suggests that this missense change does not adversely affect protein function. In summary, the available evidence is currently insufficient to determine the role of this variant in disease. Therefore, it has been classified as a Variant of Uncertain Significance.

NM_000051.4(ATM):c.6979A>G (p.Asn2327Asp)

Genes: ATM (ATM serine/threonine kinase; plus strand), C11orf65 (chromosome 11 open reading frame 65; minus strand). Cytogenetic location: 11q22.3.
Variant type: single nucleotide variant.
Coding change: c.6979A>G on transcript NM_000051.4 (MANE Select); coding-DNA position 6979, A replaced by G.
Protein change: p.Asn2327Asp; replaces asparagine 2327 with aspartic acid.
Molecular consequence: missense variant. On other transcripts: intron variant (2).
Genome position (GRCh38, 1-based): chr11:108,327,648, A>G. VCF-style: chr11-108327648-A-G. GRCh37 (hg19) VCF-style: chr11-108198375-A-G.
Other names: c.6979A>G, p.Asn2327Asp (NM_001351834.2); c.641-18577T>C (NM_001330368.2); c.*38+7572T>C (NM_001351110.2); short protein forms N2327D.
Identifiers: ClinVar variation 1044373 (VCV001044373.9), dbSNP rs2085809640, ClinGen allele CA382557737.